The following is an entry in ClinVar:

ClinVar aggregate classification (germline): Uncertain significance. Review status: criteria provided, multiple submitters, no conflicts (2 of 4 stars). 2 submissions from 2 submitters: Uncertain significance (2). Last evaluated 2024-10-19.

gnomAD v4.1: 19 of 1,614,094 alleles (0.0012%); highest among the groups gnomAD compares: East Asian, 0.04%; no homozygotes.

Submissions (2):

Ambry Genetics
Classification: Uncertain significance. Last evaluated: 2024-10-19. Review status: criteria provided, single submitter. Criteria: Ambry Variant Classification Scheme 2023. Collection method: clinical testing. Allele origin: germline.

Labcorp Genetics (formerly Invitae), Labcorp
Classification: Uncertain significance. Last evaluated: 2022-04-11. Review status: criteria provided, single submitter. Criteria: Invitae Variant Classification Sherloc (09022015). Collection method: clinical testing. Allele origin: germline.
Comment: Algorithms developed to predict the effect of missense changes on protein structure and function (SIFT, PolyPhen-2, Align-GVGD) all suggest that this variant is likely to be tolerated. In summary, the available evidence is currently insufficient to determine the role of this variant in disease. Therefore, it has been classified as a Variant of Uncertain Significance. This variant has not been reported in the literature in individuals affected with SULF1-related conditions. This variant is present in population databases (rs767366122, gnomAD 0.07%), and has an allele count higher than expected for a pathogenic variant. This sequence change replaces glutamine, which is neutral and polar, with proline, which is neutral and non-polar, at codon 430 of the SULF1 protein (p.Gln430Pro).

NM_001128205.2(SULF1):c.1289A>C (p.Gln430Pro)

Gene: SULF1 (sulfatase 1; plus strand). Cytogenetic location: 8q13.3.
Variant type: single nucleotide variant.
Coding change: c.1289A>C on transcript NM_001128205.2 (MANE Select); coding-DNA position 1289, A replaced by C.
Protein change: p.Gln430Pro; replaces glutamine 430 with proline.
Molecular consequence: missense variant. On other transcripts: non-coding transcript variant (3).
Genome position (GRCh38, 1-based): chr8:69,604,844, A>C. VCF-style: chr8-69604844-A-C. GRCh37 (hg19) VCF-style: chr8-70517079-A-C.
Other names: c.1289A>C, p.Gln430Pro (NM_001128204.2, NM_001128206.2, NM_001412828.1 and 10 more transcripts); c.1160A>C, p.Gln387Pro (NM_001412832.1, NM_001412838.1, NM_001412839.1 and 1 more transcripts); c.1232A>C, p.Gln411Pro (NM_001412836.1, NM_001412837.1); c.1103A>C, p.Gln368Pro (NM_001412841.1, NM_001412842.1); c.689A>C, p.Gln230Pro (NM_001412844.1, NM_001412845.1); c.-503A>C (NM_001412846.1); c.1289A>C (NM_001128205.1); short protein forms Q230P, Q368P, Q430P, Q411P, Q387P.
Identifiers: ClinVar variation 2172535 (VCV002172535.5), dbSNP rs767366122, ClinGen allele CA4775847.
Genomic context (GRCh38, chr8:69,604,844, plus strand): 5'-TTTTCCCTTTTTGTCGAAGCAAATTTCTACGTAAGAAGGAAGAATCCAGCAAGAATATCC[A>C]ACAGTCAAATCACTTGCCCAAATATGAACGGGTCAAAGAACTATGCCAGCAGGCCAGGTA-3'
Protein context (NP_001121677.1, residues 420-440): RKKEESSKNI[Gln430Pro]QSNHLPKYER